The following is an entry in ClinVar:

ClinVar aggregate classification (germline): Conflicting classifications of pathogenicity. Review status: criteria provided, conflicting classifications (1 of 4 stars). 4 submissions from 4 submitters: Uncertain significance (3); Benign (1). Last evaluated 2025-11-03.

Conditions:
Hereditary cancer-predisposing syndrome. Also called: Neoplastic Syndromes, Hereditary; Tumor predisposition; Hereditary Cancer Syndrome; Hereditary neoplastic syndrome. Identifiers: Orphanet 140162, MedGen C0027672, MeSH D009386, MONDO:0015356.
Familial cancer of breast. Also called: BREAST CANCER, FAMILIAL; Hereditary breast cancer; hereditary breast carcinoma. Identifiers: Orphanet 227535, MedGen C0346153, MONDO:0016419, OMIM 114480. Disease mechanism: loss of function.

Allele frequency attached by ClinVar (database versions not stated): gnomAD exomes below 0.00001 and 0.00001; ExAC 0.00001; gnomAD 0.00001.
gnomAD v4.1: 4 of 1,613,078 alleles (0.00025%); highest among the groups gnomAD compares: South Asian, 0.0033%; no homozygotes.

Submissions (4):

Labcorp Genetics (formerly Invitae), Labcorp
Classification: Uncertain significance for Familial cancer of breast. Last evaluated: 2025-11-03. Review status: criteria provided, single submitter. Criteria: Invitae Variant Classification Sherloc (09022015). Collection method: clinical testing. Allele origin: germline.
Comment: This sequence change replaces valine, which is neutral and non-polar, with alanine, which is neutral and non-polar, at codon 1182 of the PALB2 protein (p.Val1182Ala). This variant is present in population databases (rs747149179, gnomAD 0.006%). This variant has not been reported in the literature in individuals affected with PALB2-related conditions. ClinVar contains an entry for this variant (Variation ID: 187203). An algorithm developed to predict the effect of missense changes on protein structure and function (PolyPhen-2) suggests that this variant is likely to be disruptive. In summary, the available evidence is currently insufficient to determine the role of this variant in disease. Therefore, it has been classified as a Variant of Uncertain Significance.

Ambry Genetics
Classification: Benign for Hereditary cancer-predisposing syndrome. Last evaluated: 2025-05-14. Review status: criteria provided, single submitter. Criteria: Ambry Variant Classification Scheme 2023. Collection method: clinical testing. Allele origin: germline.

Color Diagnostics, LLC DBA Color Health
Classification: Uncertain significance for Hereditary cancer-predisposing syndrome. Last evaluated: 2023-12-05. Review status: criteria provided, single submitter. Criteria: ACMG Guidelines, 2015. Collection method: clinical testing. Allele origin: germline.
Comment: This missense variant replaces valine with alanine at codon 1182 of the PALB2 protein. Computational prediction suggests that this variant may not impact protein structure and function (internally defined REVEL score threshold <= 0.5, PMID: 27666373). To our knowledge, functional studies have not been reported for this variant. This variant has not been reported in individuals affected with PALB2-related disorders in the literature. This variant has been identified in 2/282836 chromosomes in the general population by the Genome Aggregation Database (gnomAD). The available evidence is insufficient to determine the role of this variant in disease conclusively. Therefore, this variant is classified as a Variant of Uncertain Significance.

Baylor Genetics
Classification: Uncertain significance for Familial cancer of breast. Last evaluated: 2022-03-24. Review status: criteria provided, single submitter. Criteria: ACMG Guidelines, 2015. Collection method: clinical testing. Allele origin: unknown.

NM_024675.4(PALB2):c.3545T>C (p.Val1182Ala)

Gene: PALB2 (partner and localizer of BRCA2; minus strand). Cytogenetic location: 16p12.2.
Variant type: single nucleotide variant.
Coding change: c.3545T>C on transcript NM_024675.4 (MANE Select); coding-DNA position 3545, T replaced by C.
Protein change: p.Val1182Ala; replaces valine 1182 with alanine.
Molecular consequence: missense variant.
Genome position (GRCh38, 1-based): chr16:23,603,475, A>G on the plus strand (T>C on the coding strand, the complement: PALB2 is on the minus strand). VCF-style: chr16-23603475-A-G. GRCh37 (hg19) VCF-style: chr16-23614796-A-G.
Other names: short protein forms V1182A.
Identifiers: ClinVar variation 187203 (VCV000187203.22), dbSNP rs747149179, ClinGen allele CA196999.